The following is an entry in ClinVar:

ClinVar aggregate classification (germline): Conflicting classifications of pathogenicity. Review status: criteria provided, conflicting classifications (1 of 4 stars). 2 submissions from 2 submitters: Uncertain significance (1); Likely benign (1). Last evaluated 2023-04-06.

Conditions:
Ataxia-telangiectasia syndrome (AT). Also called: LOUIS-BAR SYNDROME; Cerebello-oculocutaneous telangiectasia; Immunodeficiency with ataxia telangiectasia; Ataxia-telangiectasia, complementation group D; AT, COMPLEMENTATION GROUP C; ATAXIA-TELANGIECTASIA, COMPLEMENTATION GROUP A. Identifiers: Orphanet 100, MedGen C0004135, MONDO:0008840, OMIM 208900.
Familial cancer of breast. Also called: BREAST CANCER, FAMILIAL; Hereditary breast cancer; hereditary breast carcinoma. Identifiers: Orphanet 227535, MedGen C0346153, MONDO:0016419, OMIM 114480. Disease mechanism: loss of function.

Allele frequency attached by ClinVar (database versions not stated): gnomAD exomes below 0.00001.
gnomAD v4.1: 1 of 1,610,498 alleles (0.000062%); highest among the groups gnomAD compares: Non-Finnish European, 0.000085%; no homozygotes.

Submissions (2):

Labcorp Genetics (formerly Invitae), Labcorp
Classification: Likely benign for Ataxia-telangiectasia syndrome. Last evaluated: 2023-04-06. Review status: criteria provided, single submitter. Criteria: Invitae Variant Classification Sherloc (09022015). Collection method: clinical testing. Allele origin: germline.

Institute of Human Genetics, University of Goettingen
Classification: Uncertain significance for Familial cancer of breast. Last evaluated: 2021-09-21. Review status: criteria provided, single submitter. Criteria: ACMG Guidelines, 2015. Collection method: clinical testing. Allele origin: unknown. Inheritance: Autosomal dominant inheritance. Observed: 1 heterozygote.
Comment: ACMG criteria used for classification: PM2, BP4.

NM_000051.4(ATM):c.5918+14G>T

Genes: ATM (ATM serine/threonine kinase; plus strand), C11orf65 (chromosome 11 open reading frame 65; minus strand). Cytogenetic location: 11q22.3.
Variant type: single nucleotide variant.
Coding change: c.5918+14G>T on transcript NM_000051.4 (MANE Select); 14 bases into the intron after coding-DNA position 5918, G replaced by T.
Molecular consequence: intron variant.
Genome position (GRCh38, 1-based): chr11:108,310,329, G>T. VCF-style: chr11-108310329-G-T. GRCh37 (hg19) VCF-style: chr11-108181056-G-T.
Other names: c.5918+14G>T (NM_001351834.2); c.641-1258C>A (NM_001330368.2); c.*39-1258C>A (NM_001351110.2).
Identifiers: ClinVar variation 1279920 (VCV001279920.8), dbSNP rs2136020496, ClinGen allele CA2499220670.